The following is an entry in ClinVar:

ClinVar aggregate classification (germline): Uncertain significance (1 of 4 stars; one submission).

Conditions:
LRRC45-related disorder. Also called: LRRC45-related condition.

gnomAD v4.1: 1 of 1,549,404 alleles (0.000065%); highest among the groups gnomAD compares: South Asian, 0.0012%; no homozygotes.

Submission:

PreventionGenetics, part of Exact Sciences
Classification: Uncertain significance for LRRC45-related condition. Last evaluated: 2025-05-13. Review status: criteria provided, single submitter. Criteria: ACMG Guidelines, 2015. Collection method: clinical testing. Allele origin: germline.
Comment: The LRRC45 c.1676G>A variant is predicted to result in the amino acid substitution p.Ser559Asn. To our knowledge, this variant has not been reported in the literature. This variant is reported in 0.0044% of alleles in individuals of South Asian descent in gnomAD. At this time, the clinical significance of this variant is uncertain due to the absence of conclusive functional and genetic evidence.

NM_144999.4(LRRC45):c.1676G>A (p.Ser559Asn)

Gene: LRRC45 (leucine rich repeat containing 45; plus strand). Cytogenetic location: 17q25.3.
Variant type: single nucleotide variant.
Coding change: c.1676G>A on transcript NM_144999.4 (MANE Select); coding-DNA position 1676, G replaced by A.
Protein change: p.Ser559Asn; replaces serine 559 with asparagine.
Molecular consequence: missense variant.
Genome position (GRCh38, 1-based): chr17:82,030,326, G>A. VCF-style: chr17-82030326-G-A. GRCh37 (hg19) VCF-style: chr17-79988202-G-A.
Other names: short protein forms S559N.
Identifiers: ClinVar variation 5000940 (VCV005000940.1).